The following is an entry in ClinVar:

ClinVar aggregate classification (germline): Conflicting classifications of pathogenicity. Review status: criteria provided, conflicting classifications (1 of 4 stars). 3 submissions from 3 submitters: Uncertain significance (2); Likely benign (1). Last evaluated 2022-12-01.

Conditions:
Stuve-Wiedemann syndrome (STWS). Also called: Stüve-Wiedemann syndrome. Identifiers: Orphanet 3206, MedGen C0796176, MONDO:0031280.

Allele frequency attached by ClinVar (database versions not stated): 1000 Genomes Project 30x 0.00141; 1000 Genomes Project 0.00160; TOPMed 0.00297; gnomAD 0.00305 and 0.00318; gnomAD exomes 0.00519.
gnomAD v4.1: 815 of 216,696 alleles (0.38%); highest among the groups gnomAD compares: Middle Eastern, 0.87%; 4 homozygotes.

Submissions (3):

CeGaT Center for Human Genetics Tuebingen
Classification: Likely benign. Last evaluated: 2022-12-01. Review status: criteria provided, single submitter. Criteria: CeGaT Center For Human Genetics Tuebingen Variant Classification Criteria Version 2. Collection method: clinical testing. Allele origin: germline. Affected: yes. Observed: 2 variant alleles.
Comment: LIFR: BS2

Illumina Laboratory Services, Illumina
Classification: Uncertain significance for Stüve-Wiedemann syndrome 1. Last evaluated: 2018-01-12. Review status: criteria provided, single submitter. Criteria: ICSL Variant Classification Criteria 13 December 2019. Collection method: clinical testing. Allele origin: germline.

Breakthrough Genomics
Classification: Uncertain significance. Review status: criteria provided, single submitter. Criteria: ACMG Guidelines, 2015. Collection method: not provided. Allele origin: germline. Inheritance: Autosomal recessive inheritance. Affected: yes.

NM_001127671.2(LIFR):c.*3748T>C

Gene: LIFR (LIF receptor subunit alpha; minus strand). Cytogenetic location: 5p13.1.
Variant type: single nucleotide variant.
Coding change: c.*3748T>C on transcript NM_001127671.2 (MANE Select); 3748 bases downstream of the stop codon, T replaced by C.
Molecular consequence: 3 prime UTR variant.
Genome position (GRCh38, 1-based): chr5:38,477,847, A>G on the plus strand (T>C on the coding strand, the complement: LIFR is on the minus strand). VCF-style: chr5-38477847-A-G. GRCh37 (hg19) VCF-style: chr5-38477949-A-G.
Other names: c.*3748T>C (NM_001364297.2, NM_001364298.2, NM_002310.6).
Identifiers: ClinVar variation 353560 (VCV000353560.30), dbSNP rs144332222, ClinGen allele CA10621824.
Genomic context (GRCh38, chr5:38,477,847, plus strand): 5'-TACTGAGCTTTCACGATGTGCCTAGTCTTTGTAGCTAATAATCCCACATTTTACTCTGAG[A>G]TGCCCAATTTTACACTTTCAAAATAAGAAAAAAGGCATTTCATAAAATGCACACAAATTT-3'